The following is an entry in ClinVar:

NM_001134831.2(AHI1):c.1581dup (p.Ser528fs)

Gene: AHI1 (Abelson helper integration site 1; minus strand). Cytogenetic location: 6q23.3.
Variant type: Duplication.
Coding change: c.1581dup on transcript NM_001134831.2 (MANE Select); coding-DNA position 1581, one base duplicated (A; older notation c.1581dupA).
Protein change: p.Ser528fs; shifts the reading frame from serine 528.
Molecular consequence: frameshift variant.
Genome position (GRCh38, 1-based): chr6:135,448,335, T duplicated on the plus strand (A on the coding strand, the reverse complement: AHI1 is on the minus strand). VCF-style (leftmost placement, unchanged base first): chr6-135448334-A-AT. GRCh37 (hg19) VCF-style: chr6-135769472-A-AT.
Other names: c.1581dup, p.Ser528fs (NM_001134830.2, NM_001134832.2, NM_001350503.2 and 2 more transcripts); short protein forms S528fs.
Identifiers: ClinVar variation 5015830 (VCV005015830.1).
Genomic context (GRCh38, chr6:135,448,334, plus strand): 5'-TGTACTATTAACTTACACAGTCTGGAACTTTCAGTCCTCTTACAGTTACGTACAGTGTTG[A>AT]TGGGTAATGATTTCTTGGACATTTTGACCACCATTCAAATGCCTCAACAACACTTAATGG-3'

ClinVar aggregate classification (germline): Pathogenic (1 of 4 stars; one submission).

Conditions:
Joubert syndrome 3 (JBTS3). Also called: AHI1-related Ciliopathy. Identifiers: Orphanet 220493, MedGen C1837713, MONDO:0012078, OMIM 608629.

Submission:

Myriad Genetics, Inc.
Classification: Pathogenic for Joubert syndrome 3. Last evaluated: 2026-04-24. Review status: criteria provided, single submitter. Criteria: Myriad Autosomal Dominant, Autosomal Recessive and X-Linked Classification Criteria (2023). Collection method: clinical testing. Allele origin: unknown.
Comment: NM_001134831.1(AHI1):c.1581dupA(S528Ifs*32) is expected to be pathogenic in the context of Joubert syndrome, AHI1-related. This variant is predicted to lead to an abnormal or absent protein product due to the creation of a premature termination codon in AHI1, a gene where loss-of-function variants are known to be pathogenic. Please note: this variant was assessed in the context of healthy population screening.